The following is an entry in ClinVar:

NM_173076.3(ABCA12):c.529del (p.Ser177fs)

Gene: ABCA12 (ATP binding cassette subfamily A member 12; minus strand). Cytogenetic location: 2q35.
Variant type: Deletion.
Coding change: c.529del on transcript NM_173076.3 (MANE Select); coding-DNA position 529, one base deleted (T; older notation c.529delT).
Protein change: p.Ser177fs; shifts the reading frame from serine 177.
Molecular consequence: frameshift variant. On other transcripts: non-coding transcript variant (1).
Genome position (GRCh38, 1-based): chr2:215,049,790, A deleted on the plus strand (T on the coding strand, the reverse complement: ABCA12 is on the minus strand); the first of 2 consecutive A bases (chr2:215,049,790-215,049,791); deleting either gives the same sequence. VCF-style (leftmost placement, unchanged base first): chr2-215049789-GA-G. GRCh37 (hg19) VCF-style: chr2-215914513-GA-G.
Other names: short protein forms S177fs.
Identifiers: ClinVar variation 2734386 (VCV002734386.3), dbSNP rs1701282121, ClinGen allele CA1042220430.

ClinVar aggregate classification (germline): Pathogenic (1 of 4 stars; one submission).

Submission:

Labcorp Genetics (formerly Invitae), Labcorp
Classification: Pathogenic. Last evaluated: 2023-03-26. Review status: criteria provided, single submitter. Criteria: Invitae Variant Classification Sherloc (09022015). Collection method: clinical testing. Allele origin: germline.
Comment: For these reasons, this variant has been classified as Pathogenic. This variant is also known as c.528del. This sequence change creates a premature translational stop signal (p.Ser177Glnfs*26) in the ABCA12 gene. It is expected to result in an absent or disrupted protein product. Loss-of-function variants in ABCA12 are known to be pathogenic (PMID: 20672373). This variant is not present in population databases (gnomAD no frequency). This premature translational stop signal has been observed in individual(s) with clinical features of congenital ichthyosis (PMID: 16902423).

Literature cited by the submitters: PubMed 20672373; PubMed 16902423.